The following is an entry in ClinVar:

NM_032608.7(MYO18B):c.7515G>C (p.Leu2505=)

Gene: MYO18B (myosin XVIIIB; plus strand). Cytogenetic location: 22q12.1.
Variant type: single nucleotide variant.
Coding change: c.7515G>C on transcript NM_032608.7 (MANE Select); coding-DNA position 7515, G replaced by C.
Protein change: p.Leu2505=; no amino-acid change (leucine 2505 retained).
Molecular consequence: synonymous variant.
Genome position (GRCh38, 1-based): chr22:26,027,489, G>C. VCF-style: chr22-26027489-G-C. GRCh37 (hg19) VCF-style: chr22-26423455-G-C.
Other names: c.7518G>C, p.Leu2506= (NM_001318245.2).
Identifiers: ClinVar variation 777677 (VCV000777677.34), dbSNP rs371665297, ClinGen allele CA10161792.

ClinVar aggregate classification (germline): Benign/Likely benign. Review status: criteria provided, multiple submitters, no conflicts (2 of 4 stars). 3 submissions from 3 submitters: Benign (2); Likely benign (1). Last evaluated 2026-01-28.

Allele frequency attached by ClinVar (database versions not stated): 1000 Genomes Project 30x 0.00109; 1000 Genomes Project 0.00120; gnomAD 0.00206 and 0.00233; TOPMed 0.00237; ESP Exome Variant Server 0.00240.
gnomAD v4.1: 572 of 1,613,970 alleles (0.035%); highest among the groups gnomAD compares: African/African-American, 0.7%; no homozygotes.

Submissions (3):

Labcorp Genetics (formerly Invitae), Labcorp
Classification: Benign. Last evaluated: 2026-01-28. Review status: criteria provided, single submitter. Criteria: Invitae Variant Classification Sherloc (09022015). Collection method: clinical testing. Allele origin: germline.

CeGaT Center for Human Genetics Tuebingen
Classification: Likely benign. Last evaluated: 2022-04-01. Review status: criteria provided, single submitter. Criteria: CeGaT Center For Human Genetics Tuebingen Variant Classification Criteria Version 2. Collection method: clinical testing. Allele origin: germline. Affected: yes. Observed: 1 variant allele.
Comment: MYO18B: BP4, BP7

Breakthrough Genomics
Classification: Benign. Review status: criteria provided, single submitter. Criteria: ACMG Guidelines, 2015. Collection method: not provided. Allele origin: germline. Inheritance: Autosomal recessive inheritance. Affected: yes.